The following is an entry in ClinVar:

ClinVar aggregate classification (germline): Uncertain significance (1 of 4 stars; one submission).

Conditions:
Hereditary cancer-predisposing syndrome. Also called: Tumor predisposition; Hereditary Cancer Syndrome; Neoplastic Syndromes, Hereditary; Hereditary neoplastic syndrome. Identifiers: Orphanet 140162, MedGen C0027672, MeSH D009386, MONDO:0015356.

Submission:

Ambry Genetics
Classification: Uncertain significance for Hereditary cancer-predisposing syndrome. Last evaluated: 2024-09-09. Review status: criteria provided, single submitter. Criteria: Ambry Variant Classification Scheme 2023. Collection method: clinical testing. Allele origin: germline.
Comment: The p.I2230L variant (also known as c.6688A>C), located in coding exon 45 of the ATM gene, results from an A to C substitution at nucleotide position 6688. The isoleucine at codon 2230 is replaced by leucine, an amino acid with highly similar properties. This amino acid position is conserved. In addition, this alteration is predicted to be tolerated by in silico analysis. Based on the available evidence, the clinical significance of this variant remains unclear.

NM_000051.4(ATM):c.6688A>C (p.Ile2230Leu)

Genes: ATM (ATM serine/threonine kinase; plus strand), C11orf65 (chromosome 11 open reading frame 65; minus strand). Cytogenetic location: 11q22.3.
Variant type: single nucleotide variant.
Coding change: c.6688A>C on transcript NM_000051.4 (MANE Select); coding-DNA position 6688, A replaced by C.
Protein change: p.Ile2230Leu; replaces isoleucine 2230 with leucine.
Molecular consequence: missense variant. On other transcripts: intron variant (2).
Genome position (GRCh38, 1-based): chr11:108,325,425, A>C. VCF-style: chr11-108325425-A-C. GRCh37 (hg19) VCF-style: chr11-108196152-A-C.
Other names: c.6688A>C, p.Ile2230Leu (NM_001351834.2); c.641-16354T>G (NM_001330368.2); c.*38+9795T>G (NM_001351110.2); short protein forms I2230L.
Identifiers: ClinVar variation 3451199 (VCV003451199.1).